The following is an entry in ClinVar:

NM_004984.4(KIF5A):c.941C>A (p.Thr314Asn)

Gene: KIF5A (kinesin family member 5A; plus strand). Cytogenetic location: 12q13.3.
Variant type: single nucleotide variant.
Coding change: c.941C>A on transcript NM_004984.4 (MANE Select); coding-DNA position 941, C replaced by A.
Protein change: p.Thr314Asn; replaces threonine 314 with asparagine.
Molecular consequence: missense variant.
Genome position (GRCh38, 1-based): chr12:57,569,377, C>A. VCF-style: chr12-57569377-C-A. GRCh37 (hg19) VCF-style: chr12-57963160-C-A.
Other names: c.674C>A, p.Thr225Asn (NM_001354705.2); short protein forms T225N, T314N.
Identifiers: ClinVar variation 2091075 (VCV002091075.4), dbSNP rs1882172512, ClinGen allele CA385500963.

ClinVar aggregate classification (germline): Uncertain significance (1 of 4 stars; one submission).

Conditions:
Spastic paraplegia. Identifiers: MedGen C0037772, HP:0001258.

Allele frequency attached by ClinVar (database versions not stated): TOPMed below 0.00001.

Submission:

Labcorp Genetics (formerly Invitae), Labcorp
Classification: Uncertain significance for Spastic paraplegia. Last evaluated: 2022-01-29. Review status: criteria provided, single submitter. Criteria: Invitae Variant Classification Sherloc (09022015). Collection method: clinical testing. Allele origin: germline.
Comment: In summary, the available evidence is currently insufficient to determine the role of this variant in disease. Therefore, it has been classified as a Variant of Uncertain Significance. Advanced modeling of protein sequence and biophysical properties (such as structural, functional, and spatial information, amino acid conservation, physicochemical variation, residue mobility, and thermodynamic stability) performed at Invitae indicates that this missense variant is expected to disrupt KIF5A protein function. This variant has not been reported in the literature in individuals affected with KIF5A-related conditions. This variant is not present in population databases (gnomAD no frequency). This sequence change replaces threonine, which is neutral and polar, with asparagine, which is neutral and polar, at codon 314 of the KIF5A protein (p.Thr314Asn).